The following is an entry in ClinVar:

ClinVar aggregate classification (germline): Uncertain significance (1 of 4 stars; one submission).

Conditions:
Rhabdoid tumor predisposition syndrome 2 (RTPS2). Identifiers: Orphanet 231108, Orphanet 69077, MedGen C2750074, MONDO:0013224, OMIM 613325.

Submission:

Labcorp Genetics (formerly Invitae), Labcorp
Classification: Uncertain significance for Rhabdoid tumor predisposition syndrome 2. Last evaluated: 2022-05-11. Review status: criteria provided, single submitter. Criteria: Invitae Variant Classification Sherloc (09022015). Collection method: clinical testing. Allele origin: germline.
Comment: This variant has not been reported in the literature in individuals affected with SMARCA4-related conditions. This variant is not present in population databases (gnomAD no frequency). This sequence change replaces arginine, which is basic and polar, with glycine, which is neutral and non-polar, at codon 397 of the SMARCA4 protein (p.Arg397Gly). Algorithms developed to predict the effect of missense changes on protein structure and function (SIFT, PolyPhen-2, Align-GVGD) all suggest that this variant is likely to be disruptive. In summary, the available evidence is currently insufficient to determine the role of this variant in disease. Therefore, it has been classified as a Variant of Uncertain Significance.

NM_003072.5(SMARCA4):c.1189C>G (p.Arg397Gly)

Gene: SMARCA4 (SWI/SNF related BAF chromatin remodeling complex subunit ATPase 4; plus strand). Cytogenetic location: 19p13.2.
Variant type: single nucleotide variant.
Coding change: c.1189C>G on transcript NM_003072.5 (MANE Select); coding-DNA position 1189, C replaced by G.
Protein change: p.Arg397Gly; replaces arginine 397 with glycine.
Molecular consequence: missense variant. On other transcripts: non-coding transcript variant (1).
Genome position (GRCh38, 1-based): chr19:10,989,387, C>G. VCF-style: chr19-10989387-C-G. GRCh37 (hg19) VCF-style: chr19-11100063-C-G.
Other names: c.1189C>G, p.Arg397Gly (NM_001128844.3, NM_001128845.2, NM_001128846.2 and 6 more transcripts); short protein forms R397G.
Identifiers: ClinVar variation 1992920 (VCV001992920.4), dbSNP rs1295192121, ClinGen allele CA404059620.